The following is an entry in ClinVar:

ClinVar aggregate classification (germline): Uncertain significance (1 of 4 stars; one submission).

Submission:

Labcorp Genetics (formerly Invitae), Labcorp
Classification: Uncertain significance. Last evaluated: 2022-08-07. Review status: criteria provided, single submitter. Criteria: Invitae Variant Classification Sherloc (09022015). Collection method: clinical testing. Allele origin: germline.
Comment: This sequence change replaces valine, which is neutral and non-polar, with alanine, which is neutral and non-polar, at codon 1031 of the CACNA2D4 protein (p.Val1031Ala). This variant is not present in population databases (gnomAD no frequency). This variant has not been reported in the literature in individuals affected with CACNA2D4-related conditions. Algorithms developed to predict the effect of missense changes on protein structure and function are either unavailable or do not agree on the potential impact of this missense change (SIFT: "Deleterious"; PolyPhen-2: "Benign"; Align-GVGD: "Class C0"). In summary, the available evidence is currently insufficient to determine the role of this variant in disease. Therefore, it has been classified as a Variant of Uncertain Significance.

NM_172364.5(CACNA2D4):c.3092T>C (p.Val1031Ala)

Gene: CACNA2D4 (calcium voltage-gated channel auxiliary subunit alpha2delta 4; minus strand). Cytogenetic location: 12p13.33.
Variant type: single nucleotide variant.
Coding change: c.3092T>C on transcript NM_172364.5 (MANE Select); coding-DNA position 3092, T replaced by C.
Protein change: p.Val1031Ala; replaces valine 1031 with alanine.
Molecular consequence: missense variant.
Genome position (GRCh38, 1-based): chr12:1,797,439, A>G on the plus strand (T>C on the coding strand, the complement: CACNA2D4 is on the minus strand). VCF-style: chr12-1797439-A-G. GRCh37 (hg19) VCF-style: chr12-1906605-A-G.
Other names: short protein forms V1031A.
Identifiers: ClinVar variation 1715543 (VCV001715543.5), dbSNP rs2497690138, ClinGen allele CA383348466.